The following is an entry in ClinVar:

ClinVar aggregate classification (germline): Uncertain significance. Review status: criteria provided, multiple submitters, no conflicts (2 of 4 stars). 2 submissions from 2 submitters: Uncertain significance (2). Last evaluated 2026-02-23.

Conditions:
Cardiovascular phenotype. Identifiers: MedGen CN230736.
RASopathy. Also called: rasopathies; Noonan spectrum disorder. Identifiers: Orphanet 536391, MedGen C5555857, MONDO:0021060.

Allele frequency attached by ClinVar (database versions not stated): gnomAD exomes below 0.00001.
gnomAD v4.1: 1 of 1,614,082 alleles (0.000062%); highest among the groups gnomAD compares: Middle Eastern, 0.016%; no homozygotes.

Submissions (2):

Ambry Genetics
Classification: Uncertain significance for Cardiovascular phenotype. Last evaluated: 2026-02-23. Review status: criteria provided, single submitter. Criteria: Ambry Variant Classification Scheme 2023. Collection method: clinical testing. Allele origin: germline.
Comment: The p.V581G variant (also known as c.1742T>G), located in coding exon 11 of the CBL gene, results from a T to G substitution at nucleotide position 1742. The valine at codon 581 is replaced by glycine, an amino acid with dissimilar properties. This amino acid position is conserved. In addition, the in silico prediction for this alteration is inconclusive. Based on the available evidence, the clinical significance of this variant remains unclear.

Labcorp Genetics (formerly Invitae), Labcorp
Classification: Uncertain significance for RASopathy. Last evaluated: 2022-01-16. Review status: criteria provided, single submitter. Criteria: Invitae Variant Classification Sherloc (09022015). Collection method: clinical testing. Allele origin: germline.
Comment: In summary, the available evidence is currently insufficient to determine the role of this variant in disease. Therefore, it has been classified as a Variant of Uncertain Significance. Advanced modeling of protein sequence and biophysical properties (such as structural, functional, and spatial information, amino acid conservation, physicochemical variation, residue mobility, and thermodynamic stability) performed at Invitae indicates that this missense variant is not expected to disrupt CBL protein function. This variant has not been reported in the literature in individuals affected with CBL-related conditions. This variant is not present in population databases (gnomAD no frequency). This sequence change replaces valine, which is neutral and non-polar, with glycine, which is neutral and non-polar, at codon 581 of the CBL protein (p.Val581Gly).

NM_005188.4(CBL):c.1742T>G (p.Val581Gly)

Gene: CBL (Cbl proto-oncogene; plus strand). Cytogenetic location: 11q23.3.
Variant type: single nucleotide variant.
Coding change: c.1742T>G on transcript NM_005188.4 (MANE Select); coding-DNA position 1742, T replaced by G.
Protein change: p.Val581Gly; replaces valine 581 with glycine.
Molecular consequence: missense variant.
Genome position (GRCh38, 1-based): chr11:119,285,367, T>G. VCF-style: chr11-119285367-T-G. GRCh37 (hg19) VCF-style: chr11-119156077-T-G.
Other names: c.1742T>G (NM_005188.2); short protein forms V581G.
Identifiers: ClinVar variation 2084735 (VCV002084735.5), dbSNP rs2135310656, ClinGen allele CA382919954.